The following is an entry in ClinVar:

ClinVar aggregate classification (germline): Pathogenic/Likely pathogenic. Review status: criteria provided, multiple submitters, no conflicts (2 of 4 stars). 8 submissions from 8 submitters: Pathogenic (5); Likely pathogenic (2). 1 of the submissions does not count toward it. Last evaluated 2025-09-15.

Conditions:
DNAH5-related disorders.
DNAH5-related disorder. Also called: DNAH5-related condition.
Primary ciliary dyskinesia. Also called: Ciliary dyskinesia. Identifiers: Orphanet 244, MedGen C0008780, MONDO:0016575, HP:0012265.
Primary ciliary dyskinesia 3. Identifiers: Orphanet 244, MedGen C1837618, MONDO:0012085, OMIM 608644.

Submissions (8):

Natera, Inc.
Classification: Pathogenic for Primary ciliary dyskinesia. Last evaluated: 2025-09-15. Review status: criteria provided, single submitter. Criteria: Natera Variant Classification Schema (03/2026). Collection method: clinical testing. Allele origin: germline.
Comment: The c.2283_2284delAG variant in DNAH5 is a frameshift variant predicted to shift the reading frame beginning at codon 761 and leads to a stop codon 10 codons downstream. This variant is expected to result in nonsense mediated decay, truncation, or a dysfunctional protein product. This variant is rare in the general population with a frequency below the threshold expected for the associated phenotype(s). This variant has been observed in one or more individuals affected with the associated recessive disease, as either homozygous or compound heterozygous with a second variant (PMID: 32253119). Given the available evidence, this variant is classified as Pathogenic.

Labcorp Genetics (formerly Invitae), Labcorp
Classification: Pathogenic for Primary ciliary dyskinesia. Last evaluated: 2025-08-20. Review status: criteria provided, single submitter. Criteria: Invitae Variant Classification Sherloc (09022015). Collection method: clinical testing. Allele origin: germline.
Comment: This sequence change creates a premature translational stop signal (p.Arg761Serfs*10) in the DNAH5 gene. It is expected to result in an absent or disrupted protein product. Loss-of-function variants in DNAH5 are known to be pathogenic (PMID: 11788826, 16627867). This variant is present in population databases (no rsID available, gnomAD 0.01%). This variant has not been reported in the literature in individuals affected with DNAH5-related conditions. ClinVar contains an entry for this variant (Variation ID: 523616). For these reasons, this variant has been classified as Pathogenic.

Myriad Genetics, Inc.
Classification: Pathogenic for Primary ciliary dyskinesia 3. Last evaluated: 2025-01-13. Review status: criteria provided, single submitter. Criteria: Myriad Autosomal Dominant, Autosomal Recessive and X-Linked Classification Criteria (2023). Collection method: clinical testing. Allele origin: unknown.
Comment: NM_001369.2(DNAH5):c.2283_2284delAG(R761Sfs*10) is a frameshift variant classified as pathogenic in the context of primary ciliary dyskinesia, DNAH5-related. R761Sfs*10 has been observed in a case with relevant disease (PMID: 32253119). Relevant functional assessments of this variant are not available in the literature. R761Sfs*10 has been observed in referenced population frequency databases. In summary, NM_001369.2(DNAH5):c.2283_2284delAG(R761Sfs*10) is a frameshift variant in a gene where loss of function is a known mechanism of disease, is predicted to disrupt protein function, and has been observed more frequently in cases with the relevant disease than in healthy populations. Please note: this variant was assessed in the context of healthy population screening.

Fulgent Genetics
Classification: Pathogenic for Primary ciliary dyskinesia 3. Last evaluated: 2024-04-03. Review status: criteria provided, single submitter. Criteria: ACMG Guidelines, 2015. Collection method: clinical testing. Allele origin: germline.

Blueprint Genetics
Classification: Likely pathogenic for DNAH5-related disorders. Last evaluated: 2021-12-08. Review status: criteria provided, single submitter. Criteria: ACMG Guidelines, 2015. Collection method: clinical testing. Allele origin: germline. Affected: yes. Observed: 1 variant allele.

Revvity Omics, Revvity
Classification: Likely pathogenic for Primary ciliary dyskinesia 3. Last evaluated: 2020-12-07. Review status: criteria provided, single submitter. Criteria: ACMG Guidelines, 2015. Collection method: clinical testing. Allele origin: germline.

Center of Genomic medicine, Geneva, University Hospital of Geneva
Classification: Pathogenic for Primary ciliary dyskinesia. Last evaluated: 2017-11-06. Review status: criteria provided, single submitter. Criteria: ACMG Guidelines, 2015. Collection method: clinical testing. Allele origin: inherited. Affected: yes.
Comment: However, a variant in the second allele of this gene (of recessive transmission) has not yet been identified.

PreventionGenetics, part of Exact Sciences
Classification: Pathogenic for DNAH5-related condition. Last evaluated: 2024-08-01. Review status: no assertion criteria provided. Collection method: clinical testing. Allele origin: germline. Not counted in ClinVar's aggregate classification.
Comment: The DNAH5 c.2283_2284delAG variant is predicted to result in a frameshift and premature protein termination (p.Arg761Serfs*10). This variant has been reported in the compound heterozygous state in an individual with primary ciliary dyskinesia (Baz-Redón et al. 2020. PubMed ID: 32253119). This variant is reported in 0.008% of alleles in individuals of Latino descent in gnomAD. Frameshift variants in DNAH5 are expected to be pathogenic. This variant is interpreted as pathogenic.

Literature cited by the submitters: PubMed 32253119 (cited by Natera, Inc. and Myriad Genetics, Inc.); PubMed 11788826 (cited by Labcorp Genetics (formerly Invitae), Labcorp); PubMed 16627867 (cited by Labcorp Genetics (formerly Invitae), Labcorp).

NM_001369.3(DNAH5):c.2283_2284del (p.Arg761fs)

Genes: DNAH5 (dynein axonemal heavy chain 5; minus strand), DNAH5-AS1 (DNAH5 antisense RNA 1; plus strand). Cytogenetic location: 5p15.2.
Variant type: Microsatellite.
Coding change: c.2283_2284del on transcript NM_001369.3 (MANE Select); coding-DNA positions 2283 to 2284, 2 bases deleted (AG; older notation c.2283_2284delAG).
Protein change: p.Arg761fs; shifts the reading frame from arginine 761.
Molecular consequence: frameshift variant.
Genome position (GRCh38, 1-based): chr5:13,894,797-13,894,798, CT deleted on the plus strand (AG on the coding strand, the reverse complement: DNAH5 is on the minus strand); deleting any 2 consecutive bases within chr5:13,894,797-13,894,802 gives the same sequence; the c. name uses the placement nearest the transcript's 3' end. VCF-style (leftmost placement, unchanged base first): chr5-13894796-ACT-A. GRCh37 (hg19) VCF-style: chr5-13894905-ACT-A.
Other names: c.2283_2284delAG (NM_001369.2); short protein forms R761fs.
Identifiers: ClinVar variation 523616 (VCV000523616.21), dbSNP rs1462578042, ClinGen allele CA443274161.
Genomic context (GRCh38, chr5:13,894,796, plus strand): 5'-TCCACTTTGGCCAAGTGAGGGACAATCAATTGCTCAATGGCAGCAGGTATTTTTGACTTC[ACT>A]CTCTGATATTCAGCTAGCATCATCTGCAATGAAATTGGGGTTAAGTAATCAATTAATATC-3'